The following is an entry in ClinVar:

NM_001005242.3(PKP2):c.337-9C>A

Gene: PKP2 (plakophilin 2; minus strand). Cytogenetic location: 12p11.21.
Variant type: single nucleotide variant.
Coding change: c.337-9C>A on transcript NM_001005242.3 (MANE Select); 9 bases into the intron before coding-DNA position 337, C replaced by A.
Molecular consequence: intron variant.
Genome position (GRCh38, 1-based): chr12:32,878,552, G>T on the plus strand (C>A on the coding strand, the complement: PKP2 is on the minus strand). VCF-style: chr12-32878552-G-T. GRCh37 (hg19) VCF-style: chr12-33031486-G-T.
Other names: c.337-9C>A (NM_004572.4).
Identifiers: ClinVar variation 929064 (VCV000929064.1), dbSNP rs781357829, ClinGen allele CA036943.

ClinVar aggregate classification (germline): Uncertain significance (1 of 4 stars; one submission).

Allele frequency attached by ClinVar (database versions not stated): gnomAD exomes below 0.00001; ExAC 0.00001.

Submission:

Women's Health and Genetics/Laboratory Corporation of America, LabCorp
Classification: Uncertain significance. Last evaluated: 2019-06-24. Review status: criteria provided, single submitter. Criteria: LabCorp Variant Classification Summary - May 2015. Collection method: clinical testing. Allele origin: germline.
Comment: Variant summary: PKP2 c.337-9C>A alters a non-conserved nucleotide located close to a canonical splice site and therefore could affect mRNA splicing, leading to a significantly altered protein sequence. 5/5 computational tools predict no significant impact on normal splicing. However, these predictions have yet to be confirmed by functional studies. The variant allele was found at a frequency of 4.1e-06 in 243474 control chromosomes (gnomAD). The available data on variant occurrences in the general population are insufficient to allow any conclusion about variant significance. To our knowledge, no occurrence of c.337-9C>A in individuals affected with Cardiomyopathy and no experimental evidence demonstrating its impact on protein function have been reported. No submitters have provided clinical-significance assessments for this variant to ClinVar after 2014. Based on the evidence outlined above, the variant was classified as uncertain significance.